The following is an entry in ClinVar:

NM_018026.4(PACS1):c.399A>G (p.Glu133=)

Gene: PACS1 (phosphofurin acidic cluster sorting protein 1; plus strand). Cytogenetic location: 11q13.2.
Variant type: single nucleotide variant.
Coding change: c.399A>G on transcript NM_018026.4 (MANE Select); coding-DNA position 399, A replaced by G.
Protein change: p.Glu133=; no amino-acid change (glutamic acid 133 retained).
Molecular consequence: synonymous variant.
Genome position (GRCh38, 1-based): chr11:66,193,528, A>G. VCF-style: chr11-66193528-A-G. GRCh37 (hg19) VCF-style: chr11-65960999-A-G.
Identifiers: ClinVar variation 771952 (VCV000771952.14), dbSNP rs924931141, ClinGen allele CA223456686.
Genomic context (GRCh38, chr11:66,193,528, plus strand): 5'-CCTTCTCTGTTTTTCTAGGCTATTCAGCTTGACCCTGAAGAAACTCGTCATGCTAAAAGA[A>G]ATGGACAAAGATCTTAACTCAGTGGTCATCGCTGTGAAGCTGCAGGTGAGTGGGGCAGGA-3'
Protein context (NP_060496.2, residues 123-143): LTLKKLVMLK[Glu133=]MDKDLNSVVI

ClinVar aggregate classification (germline): Likely benign. Review status: criteria provided, multiple submitters, no conflicts (2 of 4 stars). 4 submissions from 4 submitters: Likely benign (4). Last evaluated 2026-02-22.

Conditions:
PACS1-related disorder. Also called: PACS1-related condition.
Inborn genetic diseases. Identifiers: MedGen C0950123, MeSH D030342.
Schuurs-Hoeijmakers syndrome. Also called: PACS1-Related Neurodevelopmental Disorder. Identifiers: Orphanet 329224, MedGen C3554343, MONDO:0014006, OMIM 615009.

Allele frequency attached by ClinVar (database versions not stated): gnomAD exomes 0.00001; gnomAD 0.00013 and 0.00015; TOPMed 0.00030.
gnomAD v4.1: 35 of 1,613,868 alleles (0.0022%); highest among the groups gnomAD compares: Admixed American, 0.04%; no homozygotes.

Submissions (4):

PreventionGenetics, part of Exact Sciences
Classification: Likely benign for PACS1-related condition. Last evaluated: 2026-02-22. Review status: criteria provided, single submitter. Criteria: ACMG Guidelines, 2015. Collection method: clinical testing. Allele origin: germline.
Comment: This variant is classified as likely benign based on ACMG/AMP sequence variant interpretation guidelines (Richards et al. 2015 PMID: 25741868, with internal and published modifications).

Labcorp Genetics (formerly Invitae), Labcorp
Classification: Likely benign for Schuurs-Hoeijmakers syndrome. Last evaluated: 2025-11-02. Review status: criteria provided, single submitter. Criteria: Invitae Variant Classification Sherloc (09022015). Collection method: clinical testing. Allele origin: germline.

GeneDx
Classification: Likely benign. Last evaluated: 2020-10-05. Review status: criteria provided, single submitter. Criteria: GeneDx Variant Classification Process June 2021. Collection method: clinical testing. Allele origin: germline. Affected: yes.

Ambry Genetics
Classification: Likely benign for Inborn genetic diseases. Last evaluated: 2018-01-22. Review status: criteria provided, single submitter. Criteria: Ambry Variant Classification Scheme 2023. Collection method: clinical testing. Allele origin: germline.